The following is an entry in ClinVar:

NM_014915.3(ANKRD26):c.232A>G (p.Lys78Glu)

Gene: ANKRD26 (ankyrin repeat domain 26; minus strand). Cytogenetic location: 10p12.1.
Variant type: single nucleotide variant.
Coding change: c.232A>G on transcript NM_014915.3 (MANE Select); coding-DNA position 232, A replaced by G.
Protein change: p.Lys78Glu; replaces lysine 78 with glutamic acid.
Molecular consequence: missense variant.
Genome position (GRCh38, 1-based): chr10:27,100,095, T>C on the plus strand (A>G on the coding strand, the complement: ANKRD26 is on the minus strand). VCF-style: chr10-27100095-T-C. GRCh37 (hg19) VCF-style: chr10-27389024-T-C.
Other names: c.232A>G, p.Lys78Glu (NM_001256053.2); short protein forms K78E.
Identifiers: ClinVar variation 4826410 (VCV004826410.1).

ClinVar aggregate classification (germline): Uncertain significance (1 of 4 stars; one submission).

Conditions:
Inborn genetic diseases. Identifiers: MedGen C0950123, MeSH D030342.

Submission:

Ambry Genetics
Classification: Uncertain significance for Inborn genetic diseases. Last evaluated: 2026-02-28. Review status: criteria provided, single submitter. Criteria: Ambry Variant Classification Scheme 2023. Collection method: clinical testing. Allele origin: germline.
Comment: The p.K78E variant (also known as c.232A>G), located in coding exon 1 of the ANKRD26 gene, results from an A to G substitution at nucleotide position 232. The lysine at codon 78 is replaced by glutamic acid, an amino acid with similar properties. This amino acid position is conserved. In addition, this alteration is predicted to be tolerated by in silico analysis. Based on the available evidence, the clinical significance of this variant remains unclear.